The following is an entry in ClinVar:

NM_006904.7(PRKDC):c.226A>G (p.Ile76Val)

Gene: PRKDC (protein kinase, DNA-activated, catalytic subunit; minus strand). Cytogenetic location: 8q11.21.
Variant type: single nucleotide variant.
Coding change: c.226A>G on transcript NM_006904.7 (MANE Select); coding-DNA position 226, A replaced by G.
Protein change: p.Ile76Val; replaces isoleucine 76 with valine.
Molecular consequence: missense variant.
Genome position (GRCh38, 1-based): chr8:47,957,360, T>C on the plus strand (A>G on the coding strand, the complement: PRKDC is on the minus strand). VCF-style: chr8-47957360-T-C. GRCh37 (hg19) VCF-style: chr8-48869920-T-C.
Other names: c.226A>G, p.Ile76Val (NM_001081640.2); short protein forms I76V.
Identifiers: ClinVar variation 1788749 (VCV001788749.2), dbSNP rs2551882372, ClinGen allele CA371141395.
Genomic context (GRCh38, chr8:47,957,360, plus strand): 5'-AGAGGAGTCACTCCAGGAATATACAAGAAAAGCAAAACCAAAATTGTCAACTTACTTCAA[T>C]ACTGTTGAGTGACTTCCGGACAAATACAAGCAAACCGAAATCTCTGGAAAAAACTAAAGA-3'
Protein context (NP_008835.5, residues 66-86): LVFVRKSLNS[Ile76Val]EFRECREEIL

ClinVar aggregate classification (germline): Uncertain significance (1 of 4 stars; one submission).

Submission:

Ambry Genetics
Classification: Uncertain significance. Last evaluated: 2022-06-01. Review status: criteria provided, single submitter. Criteria: Ambry Variant Classification Scheme 2023. Collection method: clinical testing. Allele origin: germline.
Comment: The p.I76V variant (also known as c.226A>G), located in coding exon 2 of the PRKDC gene, results from an A to G substitution at nucleotide position 226. The isoleucine at codon 76 is replaced by valine, an amino acid with highly similar properties. This amino acid position is conserved. In addition, this alteration is predicted to be tolerated by in silico analysis. Since supporting evidence is limited at this time, the clinical significance of this alteration remains unclear.